The following continues an entry in ClinVar:

NM_000489.6(ATRX):c.109C>T (p.Arg37Ter)

Gene: ATRX. ClinVar aggregate classification (germline): Pathogenic/Likely pathogenic. Pathogenic (12); Likely pathogenic (1).

Submissions 8 to 15 of 15:

Ambry Genetics
Classification: Pathogenic for Inborn genetic diseases. Last evaluated: 2019-12-27. Review status: criteria provided, single submitter. Criteria: Ambry Variant Classification Scheme 2023. Collection method: clinical testing. Allele origin: germline.
Comment: The p.R37* pathogenic mutation (also known as c.109C>T), located in coding exon 2 of the ATRX gene, results from a C to T substitution at nucleotide position 109. This changes the amino acid from an arginine to a stop codon within coding exon 2. This alteration has been shown to segregate with disease in several large families with variable intellectual disability (mild to profound), speech impairment, facial anomalies including +/- hypertelorism, short philtrum, open mouth, full lower lip, and microcephaly, growth deficiency, hypotonia, +/- seizures, +/- urogenital anomalies, and decreased Hgb H inclusions compared to most ATRX probands (Basehore MJ et al. Clin. Genet., 2015 May;87:461-6, Guerrini, R et al. Ann. Neurol. 2000;47(1):117-21, Moncini, S et al. Meta Gene 2013;1:102-108). This mutation is often observed to result in a less severe phenotype than is typically observed in patients with nonsense mutations in the ATRX gene, (Abidi, FE et al. Eur. J. Hum. Genet. 2005;13(2):176-83, Howard, MT et al. Med. Genet. 2004;41(12):951-6). Unaffected female carriers for this mutation have been observed to have highly skewed X-inactivation patterns of >90:10 (Abidi, FE et al. Eur. J. Hum. Genet. 2005;13(2):176-83, Basehore MJ et al. Clin. Genet., 2015 May;87:461-6). In addition to the clinical data presented in the literature, this alteration is expected to result in loss of function by premature protein truncation or nonsense-mediated mRNA decay. As such, this alteration is interpreted as a disease-causing mutation.

Raymond Lab, University of Cambridge
Classification: Likely pathogenic for Intellectual disability. Last evaluated: 2019-02-13. Review status: criteria provided, single submitter. Criteria: ACMG Guidelines, 2015. Collection method: research. Allele origin: unknown. Affected: yes. Observed: 2 variant alleles.

Baylor Genetics
Classification: Pathogenic for Intellectual disability-hypotonic facies syndrome, X-linked, 1. Last evaluated: 2017-09-01. Review status: criteria provided, single submitter. Criteria: ACMG Guidelines, 2015. Collection method: clinical testing. Allele origin: maternal. Inheritance: X-linked inheritance. Affected: yes.

Diagnostic Laboratory, Strasbourg University Hospital
Classification: Pathogenic for Intellectual disability. Last evaluated: 2014-07-25. Review status: criteria provided, single submitter. Criteria: submitter's publication. Collection method: clinical testing. Allele origin: maternal. Affected: yes. Observed: 1 variant allele, 1 hemizygote.

Equipe Genetique des Anomalies du Developpement, Université de Bourgogne
Classification: Pathogenic for Alpha thalassemia-X-linked intellectual disability syndrome. Last evaluated: 2014-01-01. Review status: criteria provided, single submitter. Criteria: ACMG Guidelines, 2007. Collection method: clinical testing. Allele origin: de novo. Affected: yes.

Juno Genomics, Hangzhou Juno Genomics, Inc
Classification: Pathogenic for Alpha thalassemia-X-linked intellectual disability syndrome; Acquired hemoglobin H disease; Intellectual disability-hypotonic facies syndrome, X-linked, 1. Review status: criteria provided, single submitter. Criteria: ACMG Guidelines, 2015. Collection method: clinical testing. Allele origin: germline. Affected: yes.
Comment: Null variant in a gene where loss of function (LOF) is a known mechanism of disease.;Absent from controls (or at extremely low frequency if recessive) in Genome Aggregation Database, Exome Sequencing Project, 1000 Genomes Project, or Exome Aggregation Consortium.;The prevalence of the variant in affected individuals is significantly increased compared to the prevalence in controls.;Co-segregation with disease in multiple affected family members in a gene definitively known to cause the disease.;Assumed de novo, but without confirmation of paternity and maternity.

OMIM
Classification: Pathogenic for INTELLECTUAL DISABILITY-HYPOTONIC FACIES SYNDROME, X-LINKED. Last evaluated: 2004-12-01. Review status: no assertion criteria provided. Collection method: literature only. Allele origin: germline. Not counted in ClinVar's aggregate classification.

GeneReviews
No classification provided. Condition: Alpha thalassemia-X-linked intellectual disability syndrome. Review status: no classification provided. Collection method: literature only. Allele origin: germline. Affected: yes. Not counted in ClinVar's aggregate classification.

Literature cited by the submitters: PubMed 24805811 (cited by 4 submitters); PubMed 10632111 (cited by 5 submitters); PubMed 15508018 (cited by 3 submitters); PubMed 15591283 (cited by 3 submitters); PubMed 18409179 (cited by Labcorp Genetics (formerly Invitae), Labcorp); PubMed 23681356 (cited by Labcorp Genetics (formerly Invitae), Labcorp); PubMed 26350204 (cited by Victorian Clinical Genetics Services, Murdoch Childrens Research Institute); PubMed 25326635 (cited by Baylor Genetics); PubMed 10398237 (cited by OMIM); PubMed 3239563 (cited by OMIM); NCBI Bookshelf NBK1449 (cited by GeneReviews).